The following is an entry in ClinVar:

NC_000001.10:g.(?_220087605)_(220101994_?)dup

Gene: SLC30A10 (solute carrier family 30 member 10; minus strand). Cytogenetic location: 1q41.
Variant type: Duplication.
Identifiers: ClinVar variation 2506035 (VCV002506035.1).

ClinVar aggregate classification (germline): Uncertain significance (1 of 4 stars; one submission).

Submission:

Women's Health and Genetics/Laboratory Corporation of America, LabCorp
Classification: Uncertain significance. Last evaluated: 2023-05-26. Review status: criteria provided, single submitter. Criteria: LabCorp Variant Classification Summary - May 2015. Collection method: clinical testing. Allele origin: germline.
Comment: Variant summary: The variant identified by MLPA or other technology involves the duplication of exons 1-4, i.e. the whole coding sequence of the SLC30A10 gene. A presumed nomenclature of c.(?_-212)_(*1186_?)dup has been designated for the purposes of this classification. It has been assumed that this is a tandem duplication in direct orientation (Richardson_GIM_2018, Newman_AJHG_2015). Since exact breakpoints of this duplication are not known, it might extend beyond the assayed region of the gene. A large duplication variant (28,094 bp) involving the SLC30A10 gene was reported at a frequency of 0.00041 in 21694 control chromosomes (i.e. 9 / 21694 alleles), predominantly found in the Non-Finnish European subpopulation at a frequency of 0.001 (i.e. 8/7624 alleles), in the gnomAD database, structural variants dataset. The observed variant frequency within Non-Finnish European control individuals suggests that the variant is not causal for a dominant disease phenotype (with high penetrance and early onset), however an association with recessive conditions (or risk associations) cannot be excluded based on this frequency. To our knowledge, no occurrence of c.(?_-212)_(*1186_?)dup in individuals affected with Hypermanganesemia with Dystonia, Polycythemia, and Cirrhosis and no experimental evidence demonstrating its impact on protein function have been reported. One clinical diagnostic laboratory has submitted clinical-significance assessments for a similar variant to ClinVar after 2014, and classified the variant as uncertain significance. Based on the evidence outlined above, the variant was classified as uncertain significance.